The following is an entry in ClinVar:

NM_000169.3(GLA):c.751G>T (p.Glu251Ter)

Genes: GLA (galactosidase alpha; minus strand), RPL36A-HNRNPH2 (RPL36A-HNRNPH2 readthrough; plus strand). Cytogenetic location: Xq22.1.
Variant type: single nucleotide variant.
Coding change: c.751G>T on transcript NM_000169.3 (MANE Select); coding-DNA position 751, G replaced by T.
Protein change: p.Glu251Ter; replaces glutamic acid 251 with a stop codon.
Molecular consequence: nonsense. On other transcripts: non-coding transcript variant (3), intron variant (2).
Genome position (GRCh38, 1-based): chrX:101,398,835, C>A on the plus strand (G>T on the coding strand, the complement: GLA is on the minus strand). VCF-style: chrX-101398835-C-A. GRCh37 (hg19) VCF-style: chrX-100653823-C-A.
Other names: c.874G>T, p.Glu292Ter (NM_001406747.1); c.751G>T, p.Glu251Ter (NM_001406748.1); c.300+3378C>A (NM_001199973.2); c.177+7013C>A (NM_001199974.2); short protein forms E251*, E292*.
Identifiers: ClinVar variation 929199 (VCV000929199.7), dbSNP rs1928189534, ClinGen allele CA413924194.
Genomic context (GRCh38, chrX:101,398,835, plus strand): 5'-AAGTTTTTACCATATCTGGGTCATTCCAACCCCCTGGTCCAGCAACATCAACAATTCTCT[C>A]CTGGTTAAAAGATGTCCAGTCCAAGATACTCTTTATACTTTTCCAGGAATCATCAATGTC-3'

ClinVar aggregate classification (germline): Pathogenic. Review status: criteria provided, multiple submitters, no conflicts (2 of 4 stars). 3 submissions from 3 submitters: Pathogenic (3). Last evaluated 2026-09-08.

Conditions:
Fabry disease. Also called: Fabry's disease; ANDERSON-FABRY DISEASE; CERAMIDE TRIHEXOSIDASE DEFICIENCY; Angiokeratoma corporis diffusum; GLA DEFICIENCY; HEREDITARY DYSTOPIC LIPIDOSIS. Identifiers: Orphanet 324, MedGen C0002986, MONDO:0010526, OMIM 301500, HP:0001071. Disease mechanism: loss of function, Fabry disease is due to inactivating mutations in the X-linked GLA gene resulting in deficiency of the enzyme Alpha Galactosidase-A..

Submissions (3):

Genomenon, Inc
Classification: Pathogenic for Fabry disease. Last evaluated: 2026-09-08. Review status: criteria provided, single submitter. Criteria: Genomenon Sequence Variant Interpretation Standards - Updated. Collection method: curation. Allele origin: germline. Affected: yes.
Comment: GLA p.Glu251Ter (c.751G>T) is a nonsense variant that introduces a premature stop codon at amino acid position 251 and is predicted to result in a truncated or absent protein product. This variant has been observed in at least one proband with clinical features consistent with Fabry disease (PMID:32843101;26018987;11531969;27992580). Functional or patient cell studies have been reported (PMID:32843101;11889412;11531969). It is absent or not present at a significant frequency in gnomAD. In conclusion, we classify GLA p.Glu251Ter (c.751G>T) as a pathogenic variant.

Revvity Omics, Revvity
Classification: Pathogenic. Last evaluated: 2019-07-18. Review status: criteria provided, single submitter. Criteria: ACMG Guidelines, 2015. Collection method: clinical testing. Allele origin: germline.

Women's Health and Genetics/Laboratory Corporation of America, LabCorp
Classification: Pathogenic for Fabry disease. Last evaluated: 2019-03-28. Review status: criteria provided, single submitter. Criteria: LabCorp Variant Classification Summary - May 2015. Collection method: clinical testing. Allele origin: germline.
Comment: Variant summary: GLA c.751G>T (p.Glu251X) results in a premature termination codon, predicted to cause a truncation of the encoded protein or absence of the protein due to nonsense mediated decay, which are commonly known mechanisms for disease. Truncations downstream of this position have been classified as pathogenic by our laboratory (eg. c.830G>A (p.Trp277X), c.901C>T (p.Arg301X)). The variant was absent in 200442 control chromosomes (gnomAD) but has been reported in the literature in individuals affected with Fabry Disease (Altarescu_2001, Underhill_2015). These data indicate that the variant may be associated with disease. No clinical diagnostic laboratories have submitted clinical-significance assessments for this variant to ClinVar after 2014. Based on the evidence outlined above, the variant was classified as pathogenic.

Literature cited by the submitters: PubMed 32843101 (cited by Genomenon, Inc); PubMed 26018987 (cited by Genomenon, Inc); PubMed 11531969 (cited by Genomenon, Inc and Women's Health and Genetics/Laboratory Corporation of America, LabCorp); PubMed 27992580 (cited by Genomenon, Inc); PubMed 11889412 (cited by Genomenon, Inc).